The following is an entry in ClinVar:

NM_000400.4(ERCC2):c.1377+1dup

Gene: ERCC2 (ERCC excision repair 2, TFIIH core complex helicase subunit; minus strand). Cytogenetic location: 19q13.32.
Variant type: Duplication.
Coding change: c.1377+1dup on transcript NM_000400.4 (MANE Select); the canonical splice donor site of the intron after coding-DNA position 1377, one base duplicated (G; older notation c.1377+1dupG).
Molecular consequence: splice donor variant.
Genome position (GRCh38, 1-based): chr19:45,357,473, C duplicated on the plus strand (G on the coding strand, the reverse complement: ERCC2 is on the minus strand); the first of 4 consecutive C bases (chr19:45,357,473-45,357,476); duplicating any one gives the same sequence. VCF-style (leftmost placement, unchanged base first): chr19-45357472-A-AC. GRCh37 (hg19) VCF-style: chr19-45860730-A-AC.
Identifiers: ClinVar variation 2675034 (VCV002675034.4), dbSNP rs2514013177, ClinGen allele CA2695198219.

ClinVar aggregate classification (germline): Likely pathogenic. Review status: criteria provided, multiple submitters, no conflicts (2 of 4 stars). 2 submissions from 2 submitters: Likely pathogenic (2). Last evaluated 2026-01-13.

Conditions:
Cerebrooculofacioskeletal syndrome 2 (COFS2). Identifiers: MedGen C1853102, MONDO:0012553, OMIM 610756.

Submissions (2):

Labcorp Genetics (formerly Invitae), Labcorp
Classification: Likely pathogenic. Last evaluated: 2026-01-13. Review status: criteria provided, single submitter. Criteria: Invitae Variant Classification Sherloc (09022015). Collection method: clinical testing. Allele origin: germline.
Comment: This sequence change affects a splice site in intron 14 of the ERCC2 gene. It is expected to disrupt RNA splicing. Variants that disrupt the donor or acceptor splice site typically lead to a loss of protein function (PMID: 16199547), and loss-of-function variants in ERCC2 are known to be pathogenic (PMID: 9238033, 11335038, 19085937, 19934020). This variant is not present in population databases (gnomAD no frequency). This variant has not been reported in the literature in individuals affected with ERCC2-related conditions. ClinVar contains an entry for this variant (Variation ID: 2675034). Algorithms developed to predict the effect of sequence changes on RNA splicing suggest that this variant may disrupt the consensus splice site. In summary, the currently available evidence indicates that the variant is pathogenic, but additional data are needed to prove that conclusively. Therefore, this variant has been classified as Likely Pathogenic.

Baylor Genetics
Classification: Likely pathogenic for Cerebrooculofacioskeletal syndrome 2. Last evaluated: 2023-09-27. Review status: criteria provided, single submitter. Criteria: ACMG Guidelines, 2015. Collection method: clinical testing. Allele origin: unknown.

Literature cited by the submitters: PubMed 16199547 (cited by Labcorp Genetics (formerly Invitae), Labcorp); PubMed 9238033 (cited by Labcorp Genetics (formerly Invitae), Labcorp); PubMed 11335038 (cited by Labcorp Genetics (formerly Invitae), Labcorp); PubMed 19085937 (cited by Labcorp Genetics (formerly Invitae), Labcorp); PubMed 19934020 (cited by Labcorp Genetics (formerly Invitae), Labcorp).